The following is an entry in ClinVar:

NM_000398.7(CYB5R3):c.408T>G (p.Ile136Met)

Gene: CYB5R3 (cytochrome b5 reductase 3; minus strand). Cytogenetic location: 22q13.2.
Variant type: single nucleotide variant.
Coding change: c.408T>G on transcript NM_000398.7 (MANE Select); coding-DNA position 408, T replaced by G.
Protein change: p.Ile136Met; replaces isoleucine 136 with methionine.
Molecular consequence: missense variant.
Genome position (GRCh38, 1-based): chr22:42,628,207, A>C on the plus strand (T>G on the coding strand, the complement: CYB5R3 is on the minus strand). VCF-style: chr22-42628207-A-C. GRCh37 (hg19) VCF-style: chr22-43024213-A-C.
Other names: c.408T>G, p.Ile136Met (NM_001031678.1); c.339T>G, p.Ile113Met (NM_001129819.2, NM_001171661.1, NM_007326.4); c.507T>G, p.Ile169Met (NM_001171660.2); short protein forms I169M, I136M, I113M.
Identifiers: ClinVar variation 2048306 (VCV002048306.5), dbSNP rs1928401838, ClinGen allele CA411799286.

ClinVar aggregate classification (germline): Uncertain significance. Review status: criteria provided, multiple submitters, no conflicts (2 of 4 stars). 2 submissions from 2 submitters: Uncertain significance (2). Last evaluated 2022-06-30.

Conditions:
Inborn genetic diseases. Identifiers: MedGen C0950123, MeSH D030342.

Allele frequency attached by ClinVar (database versions not stated): gnomAD exomes below 0.00001.
gnomAD v4.1: 1 of 1,614,086 alleles (0.000062%); highest among the groups gnomAD compares: Non-Finnish European, 0.000085%; no homozygotes.

Submissions (2):

Labcorp Genetics (formerly Invitae), Labcorp
Classification: Uncertain significance. Last evaluated: 2022-06-30. Review status: criteria provided, single submitter. Criteria: Invitae Variant Classification Sherloc (09022015). Collection method: clinical testing. Allele origin: germline.
Comment: This sequence change replaces isoleucine, which is neutral and non-polar, with methionine, which is neutral and non-polar, at codon 136 of the CYB5R3 protein (p.Ile136Met). In summary, the available evidence is currently insufficient to determine the role of this variant in disease. Therefore, it has been classified as a Variant of Uncertain Significance. Algorithms developed to predict the effect of missense changes on protein structure and function are either unavailable or do not agree on the potential impact of this missense change (SIFT: "Deleterious"; PolyPhen-2: "Benign"; Align-GVGD: "Class C0"). This variant has not been reported in the literature in individuals affected with CYB5R3-related conditions. This variant is not present in population databases (gnomAD no frequency).

Ambry Genetics
Classification: Uncertain significance for Inborn genetic diseases. Last evaluated: 2021-08-30. Review status: criteria provided, single submitter. Criteria: Ambry Variant Classification Scheme 2023. Collection method: clinical testing. Allele origin: germline.